The following is an entry in ClinVar:

NM_001001331.4(ATP2B2):c.1508C>T (p.Thr503Met)

Gene: ATP2B2 (ATPase plasma membrane Ca2+ transporting 2; minus strand). Cytogenetic location: 3p25.3.
Variant type: single nucleotide variant.
Coding change: c.1508C>T on transcript NM_001001331.4 (MANE Select); coding-DNA position 1508, C replaced by T.
Protein change: p.Thr503Met; replaces threonine 503 with methionine.
Molecular consequence: missense variant.
Genome position (GRCh38, 1-based): chr3:10,371,960, G>A on the plus strand (C>T on the coding strand, the complement: ATP2B2 is on the minus strand). VCF-style: chr3-10371960-G-A. GRCh37 (hg19) VCF-style: chr3-10413644-G-A.
Other names: c.1373C>T, p.Thr458Met (NM_001330611.3, NM_001353564.1, NM_001363862.1 and 1 more transcripts); c.1373C>T (NM_001683.3); short protein forms T458M, T503M.
Identifiers: ClinVar variation 1297484 (VCV001297484.9), dbSNP rs1487836380, ClinGen allele CA351783592.

ClinVar aggregate classification (germline): Pathogenic/Likely pathogenic. Review status: criteria provided, multiple submitters, no conflicts (2 of 4 stars). 4 submissions from 4 submitters: Pathogenic (1); Likely pathogenic (1). 2 of the submissions do not count toward it. Last evaluated 2025-09-22.

Conditions:
Neurodevelopmental disorder. Identifiers: MedGen C1535926, MeSH D065886, MONDO:0700092.

Allele frequency attached by ClinVar (database versions not stated): gnomAD exomes below 0.00001.

Submissions (4):

Ambry Genetics
Classification: Pathogenic. Last evaluated: 2025-09-22. Review status: criteria provided, single submitter. Criteria: Ambry Variant Classification Scheme 2023. Collection method: clinical testing. Allele origin: germline.
Comment: The c.1373C>T (p.T458M) alteration is located in exon 9 (coding exon 8) of the ATP2B2 gene. This alteration results from a C to T substitution at nucleotide position 1373, causing the threonine (T) at amino acid position 458 to be replaced by a methionine (M). for ATP2B2-related neurodevelopmental disorder; however, its clinical significance for autosomal dominant ATP2B2-related deafness is uncertain. This allele was reported in one heterozygous individual in population-based cohorts in the Genome Aggregation Database (gnomAD). This variant was determined to be de novo in at least one individual with features consistent with ATP2B2-related neurodevelopmental disorder (External communication). This amino acid position is highly conserved in available vertebrate species. This alteration is predicted to be deleterious by in silico analysis. Based on the available evidence, this alteration is classified as pathogenic.

Victorian Clinical Genetics Services, Murdoch Childrens Research Institute
Classification: Likely pathogenic for Neurodevelopmental disorder. Last evaluated: 2025-02-24. Review status: criteria provided, single submitter. Criteria: ACMG Guidelines, 2015. Collection method: clinical testing. Allele origin: germline. Affected: yes.
Comment: This variant is classified as Likely pathogenic. Evidence in support of pathogenic classification: Variant is present in gnomAD <0.001 for a dominant condition (v4: 2 heterozygote(s), 0 homozygote(s)) ; This variant has strong previous evidence of pathogenicity in unrelated individuals. Clinical laboratories have reported this variant as de novo in two individuals with intellectual disability/global developmental delay, and in a heterozygous state in an individual with postlingual severe frequency hearing loss (ClinVar; Personal communication); Missense variant predicted to be damaging by in silico tool(s) or highly conserved with a major amino acid change; Additional information: Variant is predicted to result in a missense amino acid change from threonine to methionine; This variant is heterozygous; This gene is associated with autosomal dominant disease; No published segregation evidence has been identified for this variant; No published functional evidence has been identified for this variant; No comparable missense variants have previous evidence for pathogenicity; Variant is not located in an established domain, motif, hotspot or informative constraint region; Loss of function and gain of function are known mechanisms of disease in this gene. Variants predicted to result in nonsense mediated decay are associated with deafness 82 (MIM#82619804). Truncating and missense variants are associated with neurodevelopmental disorder (MONDO:0700092), ATP2B2-related (PMID: 37675773).

Clinical Genetics DNA and cytogenetics Diagnostics Lab, Erasmus MC, Erasmus Medical Center
Classification: Uncertain significance. Review status: no assertion criteria provided. Collection method: clinical testing. Allele origin: germline. Affected: yes. Study: VKGL Data-share Consensus. Not counted in ClinVar's aggregate classification.

Joint Genome Diagnostic Labs from Nijmegen and Maastricht, Radboudumc and MUMC+
Classification: Uncertain significance. Review status: no assertion criteria provided. Collection method: clinical testing. Allele origin: germline. Affected: yes. Study: VKGL Data-share Consensus. Not counted in ClinVar's aggregate classification.

Literature cited by the submitters: PubMed 37675773 (cited by Victorian Clinical Genetics Services, Murdoch Childrens Research Institute).